The following is an entry in ClinVar:

ClinVar aggregate classification (germline): Uncertain significance (1 of 4 stars; one submission).

Allele frequency attached by ClinVar (database versions not stated): ExAC 0.00001; gnomAD exomes 0.00002; gnomAD 0.00293 and 0.00295.

Submission:

Labcorp Genetics (formerly Invitae), Labcorp
Classification: Uncertain significance. Last evaluated: 2022-06-20. Review status: criteria provided, single submitter. Criteria: Invitae Variant Classification Sherloc (09022015). Collection method: clinical testing. Allele origin: germline.
Comment: In summary, the available evidence is currently insufficient to determine the role of this variant in disease. Therefore, it has been classified as a Variant of Uncertain Significance. Algorithms developed to predict the effect of missense changes on protein structure and function output the following: SIFT: "Tolerated"; PolyPhen-2: "Benign"; Align-GVGD: "Class C0". The threonine amino acid residue is found in multiple mammalian species, which suggests that this missense change does not adversely affect protein function. This variant has not been reported in the literature in individuals affected with TRIOBP-related conditions. The frequency data for this variant in the population databases is considered unreliable, as metrics indicate poor data quality at this position in the gnomAD database. This sequence change replaces isoleucine, which is neutral and non-polar, with threonine, which is neutral and polar, at codon 667 of the TRIOBP protein (p.Ile667Thr).

NM_001039141.3(TRIOBP):c.2000T>C (p.Ile667Thr)

Gene: TRIOBP (TRIO and F-actin binding protein; plus strand). Cytogenetic location: 22q13.1.
Variant type: single nucleotide variant.
Coding change: c.2000T>C on transcript NM_001039141.3 (MANE Select); coding-DNA position 2000, T replaced by C.
Protein change: p.Ile667Thr; replaces isoleucine 667 with threonine.
Molecular consequence: missense variant.
Genome position (GRCh38, 1-based): chr22:37,724,556, T>C. VCF-style: chr22-37724556-T-C. GRCh37 (hg19) VCF-style: chr22-38120563-T-C.
Other names: short protein forms I667T.
Identifiers: ClinVar variation 1495872 (VCV001495872.8), dbSNP rs774018046, ClinGen allele CA10223759.